The following is an entry in ClinVar:

ClinVar aggregate classification (germline): Uncertain significance (1 of 4 stars; one submission).

Submission:

Ambry Genetics
Classification: Uncertain significance. Last evaluated: 2025-11-26. Review status: criteria provided, single submitter. Criteria: Ambry Variant Classification Scheme 2023. Collection method: clinical testing. Allele origin: germline.
Comment: The c.437C>G (p.S146C) alteration is located in exon 4 (coding exon 2) of the TRIM49C gene. This alteration results from a C to G substitution at nucleotide position 437, causing the serine (S) at amino acid position 146 to be replaced by a cysteine (C). Based on data from gnomAD, the G allele has an overall frequency of 0.006% (4/67602) total alleles studied. The highest observed frequency was 0.014% (4/28982) of European (non-Finnish) alleles. Based on insufficient or conflicting evidence, the clinical significance of this alteration remains unclear.

NM_001195234.1(TRIM49C):c.437C>G (p.Ser146Cys)

Gene: TRIM49C (tripartite motif containing 49C; plus strand). Cytogenetic location: 11q14.3.
Variant type: single nucleotide variant.
Coding change: c.437C>G on transcript NM_001195234.1 (MANE Select); coding-DNA position 437, C replaced by G.
Protein change: p.Ser146Cys; replaces serine 146 with cysteine.
Molecular consequence: missense variant.
Genome position (GRCh38, 1-based): chr11:90,035,913, C>G. VCF-style: chr11-90035913-C-G. GRCh37 (hg19) VCF-style: chr11-89769081-C-G.
Other names: short protein forms S146C.
Identifiers: ClinVar variation 4599108 (VCV004599108.1).